The following is an entry in ClinVar:

ClinVar aggregate classification (germline): Conflicting classifications of pathogenicity. Review status: criteria provided, conflicting classifications (1 of 4 stars). 3 submissions from 3 submitters: Uncertain significance (1); Benign (1); Likely benign (1). Last evaluated 2025-09-14.

Conditions:
Inborn genetic diseases. Identifiers: MedGen C0950123, MeSH D030342.
KMT2D-related disorder. Also called: KMT2D-Related Disorders.
Kabuki syndrome. Also called: Kabuki make-up syndrome; NIIKAWA-KUROKI SYNDROME. Identifiers: Orphanet 2322, MedGen C0796004, MONDO:0016512.

Allele frequency attached by ClinVar (database versions not stated): gnomAD 0.00001; TOPMed 0.00001; gnomAD exomes 0.00002 and 0.00003.
gnomAD v4.1: 10 of 1,613,888 alleles (0.00062%); highest among the groups gnomAD compares: Admixed American, 0.015%; no homozygotes.

Submissions (3):

Labcorp Genetics (formerly Invitae), Labcorp
Classification: Benign for Kabuki syndrome. Last evaluated: 2025-09-14. Review status: criteria provided, single submitter. Criteria: Invitae Variant Classification Sherloc (09022015). Collection method: clinical testing. Allele origin: germline.

PreventionGenetics, part of Exact Sciences
Classification: Uncertain significance for KMT2D-related condition. Last evaluated: 2025-01-18. Review status: criteria provided, single submitter. Criteria: ACMG Guidelines, 2015. Collection method: clinical testing. Allele origin: germline.
Comment: The KMT2D c.970C>T variant is predicted to result in the amino acid substitution p.Arg324Trp. To our knowledge, this variant has not been reported in the literature. This variant is reported in 0.020% of alleles in individuals of Latino descent in gnomAD. Although we suspect that this variant may be benign, at this time, the clinical significance of this variant is uncertain due to the absence of conclusive functional and genetic evidence.

Ambry Genetics
Classification: Likely benign for Inborn genetic diseases. Last evaluated: 2022-05-27. Review status: criteria provided, single submitter. Criteria: Ambry Variant Classification Scheme 2023. Collection method: clinical testing. Allele origin: germline.

NM_003482.4(KMT2D):c.970C>T (p.Arg324Trp)

Gene: KMT2D (lysine methyltransferase 2D; minus strand). Cytogenetic location: 12q13.12.
Variant type: single nucleotide variant.
Coding change: c.970C>T on transcript NM_003482.4 (MANE Select); coding-DNA position 970, C replaced by T.
Protein change: p.Arg324Trp; replaces arginine 324 with tryptophan.
Molecular consequence: missense variant.
Genome position (GRCh38, 1-based): chr12:49,053,057, G>A on the plus strand (C>T on the coding strand, the complement: KMT2D is on the minus strand). VCF-style: chr12-49053057-G-A. GRCh37 (hg19) VCF-style: chr12-49446840-G-A.
Other names: c.970C>T (NM_003482.3); short protein forms R324W.
Identifiers: ClinVar variation 1361562 (VCV001361562.10), dbSNP rs1370093761, ClinGen allele CA384678992.